The following is an entry in ClinVar:

NM_001277115.2(DNAH11):c.10651C>G (p.Leu3551Val)

Gene: DNAH11 (dynein axonemal heavy chain 11; plus strand). Cytogenetic location: 7p15.3.
Variant type: single nucleotide variant.
Coding change: c.10651C>G on transcript NM_001277115.2 (MANE Select); coding-DNA position 10651, C replaced by G.
Protein change: p.Leu3551Val; replaces leucine 3551 with valine.
Molecular consequence: missense variant.
Genome position (GRCh38, 1-based): chr7:21,818,299, C>G. VCF-style: chr7-21818299-C-G. GRCh37 (hg19) VCF-style: chr7-21857917-C-G.
Other names: p.Leu3551Val; c.10672C>G, p.Leu3558Val (NM_003777.3); short protein forms L3551V, L3558V.
Identifiers: ClinVar variation 2727622 (VCV002727622.3), dbSNP rs753542650, ClinGen allele CA4182430.
Genomic context (GRCh38, chr7:21,818,299, plus strand): 5'-GCTTTGGCCTTTGGTGATGTCATCTTAATTGAAAATCTCGAGGAAACGATAGATCCAGTC[C>G]TGGATCCACTACTTGGCAGGAACACAATTAAAAAAGGAAAGTAAGTATTCTTGAATTTTT-3'
Protein context (NP_001264044.1, residues 3541-3561): ENLEETIDPV[Leu3551Val]DPLLGRNTIK

ClinVar aggregate classification (germline): Conflicting classifications of pathogenicity. Review status: criteria provided, conflicting classifications (1 of 4 stars). 2 submissions from 2 submitters: Uncertain significance (1); Benign (1). Last evaluated 2025-12-06.

Conditions:
Primary ciliary dyskinesia. Also called: Ciliary dyskinesia. Identifiers: Orphanet 244, MedGen C0008780, MONDO:0016575, HP:0012265.

Allele frequency attached by ClinVar (database versions not stated): ExAC 0.00001; gnomAD 0.00001; gnomAD exomes 0.00001; TOPMed 0.00001.
gnomAD v4.1: 5 of 1,610,924 alleles (0.00031%); highest among the groups gnomAD compares: East Asian, 0.0022%; no homozygotes.

Submissions (2):

Mayo Clinic Laboratories, Mayo Clinic
Classification: Uncertain significance. Last evaluated: 2025-12-06. Review status: criteria provided, single submitter. Criteria: ACMG Guidelines, 2015. Collection method: clinical testing. Allele origin: germline. Observed: 1 variant allele.
Comment: BP4_moderate, PM2_supporting

Labcorp Genetics (formerly Invitae), Labcorp
Classification: Benign for Primary ciliary dyskinesia. Last evaluated: 2024-02-19. Review status: criteria provided, single submitter. Criteria: Invitae Variant Classification Sherloc (09022015). Collection method: clinical testing. Allele origin: germline.